The following is an entry in ClinVar:

NM_001128225.3(SLC39A13):c.1056G>T (p.Gln352His)

Gene: SLC39A13 (solute carrier family 39 member 13; plus strand). Cytogenetic location: 11p11.2.
Variant type: single nucleotide variant.
Coding change: c.1056G>T on transcript NM_001128225.3 (MANE Select); coding-DNA position 1056, G replaced by T.
Protein change: p.Gln352His; replaces glutamine 352 with histidine.
Molecular consequence: missense variant. On other transcripts: 3 prime UTR variant (3), non-coding transcript variant (1).
Genome position (GRCh38, 1-based): chr11:47,415,303, G>T. VCF-style: chr11-47415303-G-T. GRCh37 (hg19) VCF-style: chr11-47436854-G-T.
Other names: c.1035G>T, p.Gln345His (NM_001441271.1, NM_152264.5); c.948G>T, p.Gln316His (NM_001441272.1); c.945G>T, p.Gln315His (NM_001441273.1); c.837G>T, p.Gln279His (NM_001441274.1); c.*53G>T (NM_001441275.1, NM_001441276.1, NM_001330245.2); short protein forms Q279H, Q315H, Q316H, Q345H, Q352H.
Identifiers: ClinVar variation 4848978 (VCV004848978.1).

ClinVar aggregate classification (germline): Uncertain significance (1 of 4 stars; one submission).

Submission:

Women's Health and Genetics/Laboratory Corporation of America, LabCorp
Classification: Uncertain significance. Last evaluated: 2026-04-01. Review status: criteria provided, single submitter. Criteria: LabCorp Variant Classification Summary - May 2015. Collection method: clinical testing. Allele origin: germline.
Comment: Variant summary: SLC39A13 c.1035G>T (p.Gln345His) results in a non-conservative amino acid change in the encoded protein sequence. Algorithms developed to predict the effect of missense changes on protein structure and function are either unavailable or do not agree on the potential impact of this missense change. The variant was absent in 251318 control chromosomes. The available data on variant occurrences in the general population are insufficient to allow any conclusion about variant significance. To our knowledge, no occurrence of c.1035G>T in individuals affected with SLC39A13-related conditions and no experimental evidence demonstrating its impact on protein function have been reported. No submitters have cited clinical-significance assessments for this variant to ClinVar. Based on the evidence outlined above, the variant was classified as uncertain significance.